The following is an entry in ClinVar:

ClinVar aggregate classification (germline): Uncertain significance. Review status: criteria provided, multiple submitters, no conflicts (2 of 4 stars). 5 submissions from 5 submitters: Uncertain significance (5). Last evaluated 2026-01-07.

Conditions:
Cardiovascular phenotype. Identifiers: MedGen CN230736.
Hypertrophic cardiomyopathy 26. Also called: Cardiomyopathy, familial hypertrophic, 26. Identifiers: Orphanet 75249, MedGen C4310749, MONDO:0014883, OMIM 617047.
Myofibrillar myopathy 5. Also called: Filaminopathy (type); FILAMINOPATHY, AUTOSOMAL DOMINANT. Identifiers: Orphanet 171445, MedGen C1836050, MONDO:0012289, OMIM 609524.
Distal myopathy with posterior leg and anterior hand involvement. Also called: WILLIAMS DISTAL MYOPATHY. Identifiers: Orphanet 63273, MedGen C3279722, MONDO:0013550, OMIM 614065.

Allele frequency attached by ClinVar (database versions not stated): TOPMed 0.00001; ExAC 0.00002.
gnomAD v4.1: 7 of 1,613,448 alleles (0.00043%); highest among the groups gnomAD compares: South Asian, 0.0022%; no homozygotes.

Submissions (5):

Labcorp Genetics (formerly Invitae), Labcorp
Classification: Uncertain significance for Distal myopathy with posterior leg and anterior hand involvement; Myofibrillar myopathy 5; Hypertrophic cardiomyopathy 26. Last evaluated: 2026-01-07. Review status: criteria provided, single submitter. Criteria: Invitae Variant Classification Sherloc (09022015). Collection method: clinical testing. Allele origin: germline.
Comment: This sequence change replaces arginine, which is basic and polar, with tryptophan, which is neutral and slightly polar, at codon 2045 of the FLNC protein (p.Arg2045Trp). This variant is present in population databases (rs762748670, gnomAD 0.006%). This variant has not been reported in the literature in individuals affected with FLNC-related conditions. ClinVar contains an entry for this variant (Variation ID: 2925709). Invitae Evidence Modeling of protein sequence and biophysical properties (such as structural, functional, and spatial information, amino acid conservation, physicochemical variation, residue mobility, and thermodynamic stability) has been performed for this missense variant. However, the output from this modeling did not meet the statistical confidence thresholds required to predict the impact of this variant on FLNC protein function. In summary, the available evidence is currently insufficient to determine the role of this variant in disease. Therefore, it has been classified as a Variant of Uncertain Significance.

Ambry Genetics
Classification: Uncertain significance for Cardiovascular phenotype. Last evaluated: 2025-12-24. Review status: criteria provided, single submitter. Criteria: Ambry Variant Classification Scheme 2023. Collection method: clinical testing. Allele origin: germline.

Dasa
Classification: Uncertain significance. Last evaluated: 2025-10-30. Review status: criteria provided, single submitter. Criteria: DASA Assertion Criteria. Collection method: clinical testing. Allele origin: germline.
Comment: NM_001458.5(FLNC):c.6133C>T (p.Arg2045Trp) is a missense variant that results in the substitution of arginine with tryptophan. This variant is rare in population databases. The currently available literature and clinical evidence are not sufficient to establish a definitive association between this variant and the reported condition. Therefore, this variant is classified as a variant of uncertain significance.

GeneDx
Classification: Uncertain significance. Last evaluated: 2024-07-07. Review status: criteria provided, single submitter. Criteria: GeneDx Variant Classification Process June 2021. Collection method: clinical testing. Allele origin: germline. Affected: yes.
Comment: Has not been previously published as pathogenic or benign to our knowledge; Not observed at significant frequency in large population cohorts (gnomAD); In silico analysis supports that this missense variant has a deleterious effect on protein structure/function; In silico analysis suggests this variant may impact gene splicing. In the absence of RNA/functional studies, the actual effect of this sequence change is unknown.

Blueprint Genetics
Classification: Uncertain significance. Last evaluated: 2024-01-22. Review status: criteria provided, single submitter. Criteria: ACMG Guidelines, 2015. Collection method: clinical testing. Allele origin: germline.

NM_001458.5(FLNC):c.6133C>T (p.Arg2045Trp)

Genes: FLNC (filamin C; plus strand), FLNC-AS1 (FLNC antisense RNA 1; minus strand). Cytogenetic location: 7q32.1.
Variant type: single nucleotide variant.
Coding change: c.6133C>T on transcript NM_001458.5 (MANE Select); coding-DNA position 6133, C replaced by T.
Protein change: p.Arg2045Trp; replaces arginine 2045 with tryptophan.
Molecular consequence: missense variant.
Genome position (GRCh38, 1-based): chr7:128,852,956, C>T. VCF-style: chr7-128852956-C-T. GRCh37 (hg19) VCF-style: chr7-128493010-C-T.
Other names: c.6034C>T, p.Arg2012Trp (NM_001127487.2); short protein forms R2012W, R2045W.
Identifiers: ClinVar variation 2925709 (VCV002925709.8), dbSNP rs762748670, ClinGen allele CA4475895.